The following is an entry in ClinVar:

ClinVar aggregate classification (germline): Benign. Review status: criteria provided, multiple submitters, no conflicts (2 of 4 stars). 6 submissions from 6 submitters: Benign (3). 3 of the submissions do not count toward it. Last evaluated 2024-11-28.

Allele frequency attached by ClinVar (database versions not stated): 1000 Genomes Project 0.25559; gnomAD exomes 0.31763 and 0.39065; ExAC 0.32956; TOPMed 0.34594; gnomAD 0.36340 and 0.37211.

Submissions (6):

Blueprint Genetics
Classification: Benign. Last evaluated: 2024-11-28. Review status: criteria provided, single submitter. Criteria: ACMG Guidelines, 2015. Collection method: clinical testing. Allele origin: germline.

GeneDx
Classification: Benign. Last evaluated: 2019-12-11. Review status: criteria provided, single submitter. Criteria: GeneDx Variant Classification Process June 2021. Collection method: clinical testing. Allele origin: germline. Affected: yes.

Laboratory for Molecular Medicine, Mass General Brigham Personalized Medicine
Classification: Benign. Last evaluated: 2016-03-29. Review status: criteria provided, single submitter. Criteria: LMM Criteria. Collection method: clinical testing. Allele origin: germline.
Comment: Variant identified in a genome or exome case(s) and assessed due to predicted null impact of the variant or pathogenic assertions in the literature or databases. Disclaimer: This variant has not undergone full assessment. The following are preliminary notes: Frequency in 1000Genomes: 542/2178=24.88%

Clinical Genetics, Academic Medical Center
Classification: Likely benign. Review status: no assertion criteria provided. Collection method: clinical testing. Allele origin: germline. Affected: yes. Study: VKGL Data-share Consensus. Not counted in ClinVar's aggregate classification.

Diagnostic Laboratory, Department of Genetics, University Medical Center Groningen
Classification: Benign. Review status: no assertion criteria provided. Collection method: clinical testing. Allele origin: germline. Affected: yes. Study: VKGL Data-share Consensus. Not counted in ClinVar's aggregate classification.

Laboratory of Diagnostic Genome Analysis, Leiden University Medical Center (LUMC)
Classification: Likely benign. Review status: no assertion criteria provided. Collection method: clinical testing. Allele origin: germline. Affected: yes. Study: VKGL Data-share Consensus. Not counted in ClinVar's aggregate classification.

NM_003244.4(TGIF1):c.16+1720del

Gene: TGIF1 (TGFB induced factor homeobox 1; plus strand). Cytogenetic location: 18p11.31.
Variant type: Deletion.
Coding change: c.16+1720del on transcript NM_003244.4 (MANE Select); 1720 bases into the intron after coding-DNA position 16, one base deleted (T; older notation c.16+1720delT).
Molecular consequence: intron variant. On other transcripts: 5 prime UTR variant (1).
Genome position (GRCh38, 1-based): chr18:3,452,225, T deleted. VCF-style (leftmost placement, unchanged base first): chr18-3452224-CT-C. GRCh37 (hg19) VCF-style: chr18-3452222-CT-C.
Other names: c.-202del (NM_170695.5); c.-44-4129del (NM_174886.3, NM_001278686.3); c.59-4129del (NM_173207.4); c.-45+3686del (NM_001374396.1); c.25+2569del (NM_001278682.2); c.16+1720del (NM_173208.3, NM_001278684.2); c.-45+2155del (NM_173209.3); c.-45+450del (NM_173210.4); and 1 more.
Identifiers: ClinVar variation 403532 (VCV000403532.13), dbSNP rs11571510, ClinGen allele CA8875792.
Genomic context (GRCh38, chr18:3,452,224, plus strand): 5'-CAGCGCCGTGGTCCTCCCTGGCGACCCCCTCTGCGCTCCTGGGGTCCTCCTGCGCCCCCC[CT>C]CCTCCACCGGCGCGCTGCCCACAGCCGCGTGCCCTCTCCCCGGAGCTGGGGACCAAGGCT-3'